The following is an entry in ClinVar:

NM_005666.4(CFHR2):c.47T>C (p.Val16Ala)

Gene: CFHR2 (complement factor H related 2; plus strand). Cytogenetic location: 1q31.3.
Variant type: single nucleotide variant.
Coding change: c.47T>C on transcript NM_005666.4 (MANE Select); coding-DNA position 47, T replaced by C.
Protein change: p.Val16Ala; replaces valine 16 with alanine.
Molecular consequence: missense variant.
Genome position (GRCh38, 1-based): chr1:196,943,927, T>C. VCF-style: chr1-196943927-T-C. GRCh37 (hg19) VCF-style: chr1-196913057-T-C.
Other names: p.Val16Ala; c.47T>C, p.Val16Ala (NM_001312672.1, NM_001410924.1); short protein forms V16A.
Identifiers: ClinVar variation 4542096 (VCV004542096.2).

ClinVar aggregate classification (germline): Uncertain significance. Review status: criteria provided, multiple submitters, no conflicts (2 of 4 stars). 2 submissions from 2 submitters: Uncertain significance (2). Last evaluated 2026-02-05.

Submissions (2):

Women's Health and Genetics/Laboratory Corporation of America, LabCorp
Classification: Uncertain significance. Last evaluated: 2026-02-05. Review status: criteria provided, single submitter. Criteria: LabCorp Variant Classification Summary - May 2015. Collection method: clinical testing. Allele origin: germline.
Comment: Variant summary: CFHR2 c.47T>C (p.Val16Ala) results in a non-conservative amino acid change in the encoded protein sequence. Algorithms developed to predict the effect of missense changes on protein structure and function are either unavailable or do not agree on the potential impact of this missense change. The variant allele was found at a frequency of 7.5e-05 in 26762 control chromosomes. The available data on variant occurrences in the general population are insufficient to allow any conclusion about variant significance. To our knowledge, no occurrence of c.47T>C in individuals affected with CFHR2-related conditions and no experimental evidence demonstrating its impact on protein function have been reported. ClinVar contains an entry for this variant (Variation ID: 4542096). Based on the evidence outlined above, the variant was classified as uncertain significance.

Mayo Clinic Laboratories, Mayo Clinic
Classification: Uncertain significance. Last evaluated: 2025-10-02. Review status: criteria provided, single submitter. Criteria: ACMG Guidelines, 2015. Collection method: clinical testing. Allele origin: germline. Observed: 4 variant alleles.
Comment: BP1, BP4_moderate, PM2_supporting